The following is an entry in ClinVar:

NM_206933.4(USH2A):c.7040_7043delinsGAAAAGGGC (p.Val2347fs)

Gene: USH2A (usherin; minus strand). Cytogenetic location: 1q41.
Variant type: Indel.
Coding change: c.7040_7043delinsGAAAAGGGC on transcript NM_206933.4 (MANE Select); coding-DNA positions 7040 to 7043, TGAG replaced by GAAAAGGGC.
Protein change: p.Val2347fs; shifts the reading frame from valine 2347.
Molecular consequence: frameshift variant.
Genome position (GRCh38, 1-based): chr1:215,965,394-215,965,397, CTCA replaced by GCCCTTTTC on the plus strand (TGAG replaced by GAAAAGGGC on the coding strand, the reverse complement: USH2A is on the minus strand). VCF-style: chr1-215965394-CTCA-GCCCTTTTC. GRCh37 (hg19) VCF-style: chr1-216138736-CTCA-GCCCTTTTC.
Other names: short protein forms V2347fs.
Identifiers: ClinVar variation 3254934 (VCV003254934.1), dbSNP rs2527554370.
Genomic context (GRCh38, chr1:215,965,394, plus strand): 5'-ATCCCAGTGAAAAGGACTGAGTGTGTTAAGAGTCCATTAGGGCGAAAAGGTGCTTCCCAC[CTCA>GCCCTTTTC]CGTGGGCTTTCCGGGATCCCTGTGTTTTGACAAACACATTTACTGTTCCTTCAGGAGGAG-3'

ClinVar aggregate classification (germline): Pathogenic (1 of 4 stars; one submission).

Conditions:
Retinitis pigmentosa 39 (RP39). Identifiers: Orphanet 791, MedGen C3151138, MONDO:0013436, OMIM 613809.

Submission:

Victorian Clinical Genetics Services, Murdoch Childrens Research Institute
Classification: Pathogenic for Retinitis pigmentosa 39. Last evaluated: 2023-07-16. Review status: criteria provided, single submitter. Criteria: ACMG Guidelines, 2015. Collection method: clinical testing. Allele origin: germline. Inheritance: Autosomal recessive inheritance.
Comment: Based on the classification scheme VCGS_Germline_v1.3.4, this variant is classified as Pathogenic. Following criteria are met: 0102 - Loss of function is a known mechanism of disease in this gene and is associated with retinitis pigmentosa 39 (MIM#613809) and Usher syndrome, type 2A (MIM#276901). (I) 0106 - This gene is associated with autosomal recessive disease. (I) 0201 - Variant is predicted to cause nonsense-mediated decay (NMD) and loss of protein (premature termination codon is located at least 54 nucleotides upstream of the final exon-exon junction). (SP) 0251 - This variant is heterozygous. (I) 0301 - Variant is absent from gnomAD (both v2 and v3). (SP) 0701 - Other variants predicted to result in NMD comparable to the one identified in this case have very strong previous evidence for pathogenicity (DECIPHER). (SP) 0807 - This variant has no previous evidence of pathogenicity. (I) 0905 - No published segregation evidence has been identified for this variant. (I) 1007 - No published functional evidence has been identified for this variant. (I) Legend: (SP) - Supporting pathogenic, (I) - Information, (SB) - Supporting benign